The following is an entry in ClinVar:

NM_005982.4(SIX1):c.86G>T (p.Arg29Leu)

Gene: SIX1 (SIX homeobox 1; minus strand). Cytogenetic location: 14q23.1.
Variant type: single nucleotide variant.
Coding change: c.86G>T on transcript NM_005982.4 (MANE Select); coding-DNA position 86, G replaced by T.
Protein change: p.Arg29Leu; replaces arginine 29 with leucine.
Molecular consequence: missense variant.
Genome position (GRCh38, 1-based): chr14:60,649,104, C>A on the plus strand (G>T on the coding strand, the complement: SIX1 is on the minus strand). VCF-style: chr14-60649104-C-A. GRCh37 (hg19) VCF-style: chr14-61115822-C-A.
Other names: c.86G>T, p.Arg29Leu (NM_001425142.1); short protein forms R29L.
Identifiers: ClinVar variation 4526529 (VCV004526529.1).

ClinVar aggregate classification (germline): Uncertain significance (1 of 4 stars; one submission).

Conditions:
Branchiootic syndrome 3 (BOS3). Also called: BO SYNDROME 3. Identifiers: MedGen C1842124, MONDO:0012025, OMIM 608389.

Submission:

MVZ Medizinische Genetik Mainz
Classification: Uncertain significance for Branchiootic syndrome 3. Last evaluated: 2025-04-03. Review status: criteria provided, single submitter. Criteria: UK Practice Guidelines For Variant Classification V4 01 2020. Collection method: clinical testing. Allele origin: germline. Inheritance: Autosomal dominant inheritance. Affected: yes. Observed: 1 variant allele.
Comment: ACMG Criteria: PP3_MOD,PM1_SUP,PM2_SUP,PP2